The following is an entry in ClinVar:

ClinVar aggregate classification (germline): Likely benign. Review status: criteria provided, single submitter (1 of 4 stars). 2 submissions from 2 submitters: Likely benign (1). 1 of the submissions does not count toward it. Last evaluated 2020-05-30.

Conditions:
SLC39A4-related disorder. Also called: SLC39A4-related condition.

Allele frequency attached by ClinVar (database versions not stated): 1000 Genomes Project 0.00020; 1000 Genomes Project 30x 0.00031.

Submissions (2):

Labcorp Genetics (formerly Invitae), Labcorp
Classification: Likely benign. Last evaluated: 2020-05-30. Review status: criteria provided, single submitter. Criteria: Invitae Variant Classification Sherloc (09022015). Collection method: clinical testing. Allele origin: germline.

PreventionGenetics, part of Exact Sciences
Classification: Likely benign for SLC39A4-related condition. Last evaluated: 2019-02-21. Review status: no assertion criteria provided. Collection method: clinical testing. Allele origin: germline. Not counted in ClinVar's aggregate classification.
Comment: This variant is classified as likely benign based on ACMG/AMP sequence variant interpretation guidelines (Richards et al. 2015 PMID: 25741868, with internal and published modifications).

NM_130849.4(SLC39A4):c.57G>C (p.Thr19=)

Gene: SLC39A4 (solute carrier family 39 member 4; minus strand). Cytogenetic location: 8q24.3.
Variant type: single nucleotide variant.
Coding change: c.57G>C on transcript NM_130849.4 (MANE Select); coding-DNA position 57, G replaced by C.
Protein change: p.Thr19=; no amino-acid change (threonine 19 retained).
Molecular consequence: synonymous variant.
Genome position (GRCh38, 1-based): chr8:144,416,733, C>G on the plus strand (G>C on the coding strand, the complement: SLC39A4 is on the minus strand). VCF-style: chr8-144416733-C-G. GRCh37 (hg19) VCF-style: chr8-145642117-C-G.
Other names: c.57G>C (NM_130849.3); c.57G>C, p.Thr19= (NM_001374839.1).
Identifiers: ClinVar variation 1094454 (VCV001094454.9), dbSNP rs528153434, ClinGen allele CA4941881.